The following is an entry in ClinVar:

ClinVar aggregate classification (germline): Pathogenic (1 of 4 stars; one submission).

Conditions:
Mucopolysaccharidosis type 1. Also called: IDUA deficiency; MPS I; Mucopolysaccharidosis Type I. Identifiers: Orphanet 579, MedGen C0023786, MONDO:0001586.

Submission:

Myriad Genetics, Inc.
Classification: Pathogenic for Mucopolysaccharidosis type 1. Last evaluated: 2023-09-27. Review status: criteria provided, single submitter. Criteria: Myriad Autosomal Dominant, Autosomal Recessive and X-Linked Classification Criteria (2023). Collection method: clinical testing. Allele origin: unknown.
Comment: NM_000203.3(IDUA):c.642dupC(A215Rfs*184) is expected to be pathogenic in the context of mucopolysaccharidosis type I. This variant is predicted to lead to an abnormal or absent protein product due to the creation of a premature termination codon in IDUA, a gene where loss-of-function variants are known to be pathogenic. Please note: this variant was assessed in the context of healthy population screening.

NM_000203.5(IDUA):c.642dup (p.Ala215fs)

Gene: IDUA (alpha-L-iduronidase; plus strand). Cytogenetic location: 4p16.3.
Variant type: Duplication.
Coding change: c.642dup on transcript NM_000203.5 (MANE Select); coding-DNA position 642, one base duplicated (C; older notation c.642dupC).
Protein change: p.Ala215fs; shifts the reading frame from alanine 215.
Molecular consequence: frameshift variant. On other transcripts: non-coding transcript variant (1).
Genome position (GRCh38, 1-based): chr4:1,001,731, C duplicated; the last of 4 consecutive C bases (chr4:1,001,728-1,001,731); duplicating any one gives the same sequence. VCF-style (leftmost placement, unchanged base first): chr4-1001727-G-GC. GRCh37 (hg19) VCF-style: chr4-995515-G-GC.
Other names: c.246dup, p.Ala83fs (NM_001363576.1); short protein forms A215fs, A83fs.
Identifiers: ClinVar variation 5012139 (VCV005012139.1).